The following is an entry in ClinVar:

ClinVar aggregate classification (germline): Conflicting classifications of pathogenicity. Review status: criteria provided, conflicting classifications (1 of 4 stars). 3 submissions from 3 submitters: Likely pathogenic (1); Uncertain significance (2). Last evaluated 2024-01-11.

Submissions (3):

Labcorp Genetics (formerly Invitae), Labcorp
Classification: Likely pathogenic. Last evaluated: 2024-01-11. Review status: criteria provided, single submitter. Criteria: Invitae Variant Classification Sherloc (09022015). Collection method: clinical testing. Allele origin: germline.
Comment: This variant results in the deletion of part of exon 2 (c.93-30_96delins32) of the HBB gene. It is expected to disrupt RNA splicing. Variants that disrupt the donor or acceptor splice site typically lead to a loss of protein function (PMID: 16199547), and loss-of-function variants in HBB are known to be pathogenic (PMID: 23637309). This variant is not present in population databases (gnomAD no frequency). This variant has not been reported in the literature in individuals affected with HBB-related conditions. ClinVar contains an entry for this variant (Variation ID: 439168). In summary, the currently available evidence indicates that the variant is pathogenic, but additional data are needed to prove that conclusively. Therefore, this variant has been classified as Likely Pathogenic.

Women's Health and Genetics/Laboratory Corporation of America, LabCorp
Classification: Uncertain significance. Last evaluated: 2022-10-10. Review status: criteria provided, single submitter. Criteria: LabCorp Variant Classification Summary - May 2015. Collection method: clinical testing. Allele origin: germline.
Comment: Variant summary: The variant HBB c.93-30_96delins32 (i.e. c.93-30_96delinsGTCCCTTGGGCTGTTTTCCTACCCTCAGATTA) involves the deletion of 30 intronic nucleotides in intron 1 and the first 4 exonic nucleotides in exon 2 and the subsequent insertion of 32 nucleotides. The inserted nucleotide sequence in this variant is predicted to replace the first 4 nucleotides of exon 2 (GCTG) by a different set of nucleotides (ATTA) leading to an in-frame modification at the protein level. Although all 5 in-silico splice analysis tools predict a minor effect on splicing (i.e. prediction of a new splice acceptor site at the same position as in the reference sequence), the region between c.93-21_93-3 is highly sensitive to point mutations. Other reported variants, such as c.93-21G>A, c.93-15T>G and c.93-3T>G as well as multiple deletion/insertion in this region are considered pathogenic in association with beta-thalassemia. In addition, the possibility of a gene conversion from HBD to HBB limited to this 32 base pair insertion versus a gene fusion between HbD and HbB resulting in Hb-Lepore or another variant hemoglobin cannot be entirely ruled out. The variant was absent from controls in gnomAD (246058 control chromosomes). Thus the available data on variant occurrences in the general population are insufficient to allow any conclusion about variant significance. To our knowledge, no occurrence of c.93-30_96delins32 in individuals affected with Beta Thalassemia and no experimental evidence demonstrating its impact on protein function have been reported. It has however, been observed in at least 4 patients tested at our laboratory, 3 of whom were carriers of this variant without a second disease causing variant. However, one of these 4 individuals was reportedly affected with a mild-anemia, and is compound heterozygous for this variant and another pathogenic variant in the promoter region of the HBB gene. A ClinVar submission from another clinical diagnostic laboratory (evaluation after 2014) cites the variant as uncertain significance. Based on the evidence outlined above, the variant was classified as uncertain significance.

Quest Diagnostics Nichols Institute San Juan Capistrano
Classification: Uncertain significance. Last evaluated: 2016-08-30. Review status: criteria provided, single submitter. Criteria: Quest Diagnostics criteria. Collection method: clinical testing. Allele origin: germline.

Literature cited by the submitters: PubMed 16199547 (cited by Labcorp Genetics (formerly Invitae), Labcorp); PubMed 23637309 (cited by Labcorp Genetics (formerly Invitae), Labcorp).

NM_000518.5(HBB):c.93-30_96delinsGTCCCTTGGGCTGTTTTCCTACCCTCAGATTA

Genes: HBB (hemoglobin subunit beta; minus strand), LOC106099062 (HBB recombination region; plus strand), LOC107133510 (origin of replication at HBB; plus strand). Cytogenetic location: 11p15.4.
Variant type: Indel.
Coding change: c.93-30_96delinsGTCCCTTGGGCTGTTTTCCTACCCTCAGATTA on transcript NM_000518.5 (MANE Select); 30 bases into the intron before coding-DNA position 93 through coding-DNA position 96, the reference bases replaced by an inserted sequence.
Molecular consequence: splice acceptor variant.
Genome position (GRCh38, 1-based): chr11:5,226,796-5,226,829, 34 bases replaced. GRCh37 (hg19): chr11:5,248,026-5,248,059.
Identifiers: ClinVar variation 439168 (VCV000439168.8), dbSNP rs1554918013, ClinGen allele CA645509063.